The following is an entry in ClinVar:

NM_015158.5(KANK1):c.46G>C (p.Gly16Arg)

Gene: KANK1 (KN motif and ankyrin repeat domains 1; plus strand). Cytogenetic location: 9p24.3.
Variant type: single nucleotide variant.
Coding change: c.46G>C on transcript NM_015158.5 (MANE Select); coding-DNA position 46, G replaced by C.
Protein change: p.Gly16Arg; replaces glycine 16 with arginine.
Molecular consequence: missense variant. On other transcripts: 5 prime UTR variant (12), non-coding transcript variant (1).
Genome position (GRCh38, 1-based): chr9:710,812, G>C. VCF-style: chr9-710812-G-C. GRCh37 (hg19) VCF-style: chr9-710812-G-C.
Other names: c.46G>C, p.Gly16Arg (NM_001256876.3, NM_001256877.3, NM_001354331.2 and 2 more transcripts); c.-429G>C (NM_001354333.2, NM_001354335.2, NM_001354336.2 and 9 more transcripts); short protein forms G16R.
Identifiers: ClinVar variation 1415705 (VCV001415705.9), dbSNP rs770900793, ClinGen allele CA4959832.

ClinVar aggregate classification (germline): Uncertain significance. Review status: criteria provided, multiple submitters, no conflicts (2 of 4 stars). 2 submissions from 2 submitters: Uncertain significance (2). Last evaluated 2024-04-25.

Conditions:
Cerebral palsy, spastic quadriplegic, 2 (CPSQ2). Identifiers: Orphanet 210141, MedGen C2752061, MONDO:0013033, OMIM 612900.

Allele frequency attached by ClinVar (database versions not stated): gnomAD 0.00001; TOPMed 0.00001; ExAC 0.00002; gnomAD exomes 0.00002 and 0.00003.
gnomAD v4.1: 50 of 1,584,696 alleles (0.0032%); highest among the groups gnomAD compares: Non-Finnish European, 0.0041%; no homozygotes.

Submissions (2):

Labcorp Genetics (formerly Invitae), Labcorp
Classification: Uncertain significance. Last evaluated: 2024-04-25. Review status: criteria provided, single submitter. Criteria: Invitae Variant Classification Sherloc (09022015). Collection method: clinical testing. Allele origin: germline.
Comment: This sequence change replaces glycine, which is neutral and non-polar, with arginine, which is basic and polar, at codon 16 of the KANK1 protein (p.Gly16Arg). This variant is present in population databases (rs770900793, gnomAD 0.005%). This variant has not been reported in the literature in individuals affected with KANK1-related conditions. ClinVar contains an entry for this variant (Variation ID: 1415705). An algorithm developed to predict the effect of missense changes on protein structure and function (PolyPhen-2) suggests that this variant is likely to be tolerated. In summary, the available evidence is currently insufficient to determine the role of this variant in disease. Therefore, it has been classified as a Variant of Uncertain Significance.

Fulgent Genetics
Classification: Uncertain significance for Cerebral palsy, spastic quadriplegic, 2. Last evaluated: 2022-01-11. Review status: criteria provided, single submitter. Criteria: ACMG Guidelines, 2015. Collection method: clinical testing. Allele origin: unknown.